The following is an entry in ClinVar:

NM_030782.5(CLPTM1L):c.749G>A (p.Arg250His)

Gene: CLPTM1L (CLPTM1 like). Cytogenetic location: 5p15.33.
Variant type: single nucleotide variant.
Coding change: c.749G>A on transcript NM_030782.5 (MANE Select); coding-DNA position 749, G replaced by A.
Protein change: p.Arg250His; replaces arginine 250 with histidine.
Molecular consequence: missense variant.
Genome position (GRCh38, 1-based): chr5:1,335,104, C>T on the plus strand (G>A on the coding strand, the complement: CLPTM1L is on the minus strand). VCF-style: chr5-1335104-C-T. GRCh37 (hg19) VCF-style: chr5-1335219-C-T.
Other names: short protein forms R250H.
Identifiers: ClinVar variation 161775 (VCV000161775.2), dbSNP rs193920801, ClinGen allele CA174761.

ClinVar aggregate classification (germline): Uncertain significance (0 of 4 stars; one submission).

Conditions:
Prostate cancer. Also called: Malignant tumor of prostate. Identifiers: Orphanet 1331, MedGen C0376358, MONDO:0008315, HP:0012125.

Allele frequency attached by ClinVar (database versions not stated): gnomAD exomes below 0.00001; gnomAD 0.00002 and 0.00001.
gnomAD v4.1: 5 of 1,613,528 alleles (0.00031%); highest among the groups gnomAD compares: Non-Finnish European, 0.00042%; no homozygotes.

Submission:

Science for Life laboratory,  Karolinska Institutet
Classification: Uncertain significance for Malignant tumor of prostate. Review status: no assertion criteria provided. Collection method: not provided. Allele origin: somatic.
Comment: TumorID:SWE-12A
ClinVar note: Converted during submission from Unknown to Uncertain significance.